The following is an entry in ClinVar:

ClinVar aggregate classification (germline): Uncertain significance. Review status: criteria provided, multiple submitters, no conflicts (2 of 4 stars). 3 submissions from 3 submitters: Uncertain significance (3). Last evaluated 2026-01-21.

Conditions:
Inborn genetic diseases. Identifiers: MedGen C0950123, MeSH D030342.
Aicardi-Goutieres syndrome 3. Identifiers: Orphanet 51, MedGen C1835916, MONDO:0012471, OMIM 610329.

Allele frequency attached by ClinVar (database versions not stated): ExAC below 0.00001; gnomAD 0.00002 and 0.00003; TOPMed 0.00002.

Submissions (3):

Labcorp Genetics (formerly Invitae), Labcorp
Classification: Uncertain significance for Aicardi-Goutieres syndrome 3. Last evaluated: 2026-01-21. Review status: criteria provided, single submitter. Criteria: Invitae Variant Classification Sherloc (09022015). Collection method: clinical testing. Allele origin: germline.
Comment: This sequence change replaces glutamic acid, which is acidic and polar, with lysine, which is basic and polar, at codon 57 of the RNASEH2C protein (p.Glu57Lys). This variant is present in population databases (rs769127379, gnomAD 0.01%). This variant has not been reported in the literature in individuals affected with RNASEH2C-related conditions. ClinVar contains an entry for this variant (Variation ID: 640671). An algorithm developed to predict the effect of missense changes on protein structure and function (PolyPhen-2) suggests that this variant is likely to be tolerated. In summary, the available evidence is currently insufficient to determine the role of this variant in disease. Therefore, it has been classified as a Variant of Uncertain Significance.

Ambry Genetics
Classification: Uncertain significance for Inborn genetic diseases. Last evaluated: 2025-06-18. Review status: criteria provided, single submitter. Criteria: Ambry Variant Classification Scheme 2023. Collection method: clinical testing. Allele origin: germline.

Mayo Clinic Laboratories, Mayo Clinic
Classification: Uncertain significance. Last evaluated: 2024-01-08. Review status: criteria provided, single submitter. Criteria: ACMG Guidelines, 2015. Collection method: clinical testing. Allele origin: germline. Observed: 1 variant allele.
Comment: BP4, PM2_moderate

NM_032193.4(RNASEH2C):c.169G>A (p.Glu57Lys)

Genes: RNASEH2C (ribonuclease H2 subunit C; minus strand), LOC130006061 (ATAC-STARR-seq lymphoblastoid silent region 3553; plus strand). Cytogenetic location: 11q13.1.
Variant type: single nucleotide variant.
Coding change: c.169G>A on transcript NM_032193.4 (MANE Select); coding-DNA position 169, G replaced by A.
Protein change: p.Glu57Lys; replaces glutamic acid 57 with lysine.
Molecular consequence: missense variant.
Genome position (GRCh38, 1-based): chr11:65,720,590, C>T on the plus strand (G>A on the coding strand, the complement: RNASEH2C is on the minus strand). VCF-style: chr11-65720590-C-T. GRCh37 (hg19) VCF-style: chr11-65488061-C-T.
Other names: p.Glu57Lys; short protein forms E57K.
Identifiers: ClinVar variation 640671 (VCV000640671.10), dbSNP rs769127379, ClinGen allele CA6107819.